The following is an entry in ClinVar:

NM_007325.5(GRIA3):c.967T>C (p.Tyr323His)

Gene: GRIA3 (glutamate ionotropic receptor AMPA type subunit 3; plus strand). Cytogenetic location: Xq25.
Variant type: single nucleotide variant.
Coding change: c.967T>C on transcript NM_007325.5 (MANE Select); coding-DNA position 967, T replaced by C.
Protein change: p.Tyr323His; replaces tyrosine 323 with histidine.
Molecular consequence: missense variant.
Genome position (GRCh38, 1-based): chrX:123,398,690, T>C. VCF-style: chrX-123398690-T-C. GRCh37 (hg19) VCF-style: chrX-122532541-T-C.
Other names: c.967T>C, p.Tyr323His (NM_000828.5); c.967T>C (NM_000828.4); short protein forms Y323H.
Identifiers: ClinVar variation 1513036 (VCV001513036.31), dbSNP rs755997178, ClinGen allele CA10506994.
Genomic context (GRCh38, chrX:123,398,690, plus strand): 5'-TTTCAGTATACATCTGCATTGACACACGACGCAATACTGGTCATAGCAGAAGCTTTCCGC[T>C]ACCTGAGGAGGCAGCGAGTAGATGTGTCCCGGAGAGGAAGTGCTGGAGACTGCTTAGCAA-3'
Protein context (NP_015564.5, residues 313-333): AILVIAEAFR[Tyr323His]LRRQRVDVSR

ClinVar aggregate classification (germline): Uncertain significance. Review status: criteria provided, multiple submitters, no conflicts (2 of 4 stars). 3 submissions from 3 submitters: Uncertain significance (3). Last evaluated 2025-05-27.

Conditions:
Inborn genetic diseases. Identifiers: MedGen C0950123, MeSH D030342.

Allele frequency attached by ClinVar (database versions not stated): gnomAD exomes below 0.00001 and 0.00001; ExAC 0.00001; TOPMed 0.00001; gnomAD 0.00002.

Submissions (3):

Labcorp Genetics (formerly Invitae), Labcorp
Classification: Uncertain significance. Last evaluated: 2025-05-27. Review status: criteria provided, single submitter. Criteria: Invitae Variant Classification Sherloc (09022015). Collection method: clinical testing. Allele origin: germline.
Comment: This sequence change replaces tyrosine, which is neutral and polar, with histidine, which is basic and polar, at codon 323 of the GRIA3 protein (p.Tyr323His). This variant is present in population databases (rs755997178, gnomAD 0.003%). This variant has not been reported in the literature in individuals affected with GRIA3-related conditions. ClinVar contains an entry for this variant (Variation ID: 1513036). Invitae Evidence Modeling of protein sequence and biophysical properties (such as structural, functional, and spatial information, amino acid conservation, physicochemical variation, residue mobility, and thermodynamic stability) indicates that this missense variant is not expected to disrupt GRIA3 protein function with a negative predictive value of 80%. In summary, the available evidence is currently insufficient to determine the role of this variant in disease. Therefore, it has been classified as a Variant of Uncertain Significance.

CeGaT Center for Human Genetics Tuebingen
Classification: Uncertain significance. Last evaluated: 2024-02-01. Review status: criteria provided, single submitter. Criteria: CeGaT Center For Human Genetics Tuebingen Variant Classification Criteria Version 2. Collection method: clinical testing. Allele origin: germline. Affected: yes. Observed: 1 variant allele.
Comment: GRIA3: PM2

Ambry Genetics
Classification: Uncertain significance for Inborn genetic diseases. Last evaluated: 2022-04-22. Review status: criteria provided, single submitter. Criteria: Ambry Variant Classification Scheme 2023. Collection method: clinical testing. Allele origin: germline.